The following is an entry in ClinVar:

ClinVar aggregate classification (germline): Uncertain significance. Review status: criteria provided, multiple submitters, no conflicts (2 of 4 stars). 2 submissions from 2 submitters: Uncertain significance (2). Last evaluated 2025-07-30.

Conditions:
BBS12-related disorder. Also called: BBS12-related condition.
Bardet-Biedl syndrome (BBS). Identifiers: Orphanet 110, MedGen C0752166, MONDO:0015229.

Allele frequency attached by ClinVar (database versions not stated): gnomAD 0.00001.
gnomAD v4.1: 3 of 1,614,104 alleles (0.00019%); highest among the groups gnomAD compares: African/African-American, 0.0013%; no homozygotes.

Submissions (2):

PreventionGenetics, part of Exact Sciences
Classification: Uncertain significance for BBS12-related condition. Last evaluated: 2025-07-30. Review status: criteria provided, single submitter. Criteria: ACMG Guidelines, 2015. Collection method: clinical testing. Allele origin: germline.
Comment: The BBS12 c.1281A>G variant is predicted to result in the amino acid substitution p.Ile427Met. This variant was reported as a variant of uncertain significance in an obesity cohort (Tamaroff et al. 2023. PubMed ID: 37810530). This variant has not been reported in a large population database (gnomAD), indicating this variant is rare. At this time, the clinical significance of this variant is uncertain due to the absence of conclusive functional and genetic evidence.

Labcorp Genetics (formerly Invitae), Labcorp
Classification: Uncertain significance for Bardet-Biedl syndrome. Last evaluated: 2022-04-15. Review status: criteria provided, single submitter. Criteria: Invitae Variant Classification Sherloc (09022015). Collection method: clinical testing. Allele origin: germline.
Comment: Algorithms developed to predict the effect of missense changes on protein structure and function output the following: SIFT: "Tolerated"; PolyPhen-2: "Benign"; Align-GVGD: "Class C0". The methionine amino acid residue is found in multiple mammalian species, which suggests that this missense change does not adversely affect protein function. In summary, the available evidence is currently insufficient to determine the role of this variant in disease. Therefore, it has been classified as a Variant of Uncertain Significance. This sequence change replaces isoleucine, which is neutral and non-polar, with methionine, which is neutral and non-polar, at codon 427 of the BBS12 protein (p.Ile427Met). This variant is not present in population databases (gnomAD no frequency). This variant has not been reported in the literature in individuals affected with BBS12-related conditions.

NM_152618.3(BBS12):c.1281A>G (p.Ile427Met)

Gene: BBS12 (Bardet-Biedl syndrome 12; plus strand). Cytogenetic location: 4q27.
Variant type: single nucleotide variant.
Coding change: c.1281A>G on transcript NM_152618.3 (MANE Select); coding-DNA position 1281, A replaced by G.
Protein change: p.Ile427Met; replaces isoleucine 427 with methionine.
Molecular consequence: missense variant.
Genome position (GRCh38, 1-based): chr4:122,743,173, A>G. VCF-style: chr4-122743173-A-G. GRCh37 (hg19) VCF-style: chr4-123664328-A-G.
Other names: c.1281A>G, p.Ile427Met (NM_001178007.2); c.1281A>G (NM_152618.2); short protein forms I427M.
Identifiers: ClinVar variation 1905998 (VCV001905998.4), dbSNP rs1578491163, ClinGen allele CA358224786.